The following is an entry in ClinVar:

ClinVar aggregate classification (germline): Uncertain significance. Review status: criteria provided, multiple submitters, no conflicts (2 of 4 stars). 2 submissions from 2 submitters: Uncertain significance (2). Last evaluated 2023-08-29.

Conditions:
Ehlers-Danlos syndrome, kyphoscoliotic type, 2. Also called: Ehlers-Danlos syndrome with progressive kyphoscoliosis, myopathy, and hearing loss; FKBP14-Kyphoscoliotic Ehlers-Danlos Syndrome; Ehlers-Danlos syndrome, kyphoscoliotic and deafness type. Identifiers: Orphanet 300179, MedGen C3281160, MONDO:0013800, OMIM 614557.
Cardiovascular phenotype. Identifiers: MedGen CN230736.

Allele frequency attached by ClinVar (database versions not stated): gnomAD exomes 0.00001; ExAC 0.00002; gnomAD 0.00002; TOPMed 0.00003.
gnomAD v4.1: 18 of 1,595,650 alleles (0.0011%); highest among the groups gnomAD compares: South Asian, 0.0023%; no homozygotes.

Submissions (2):

Ambry Genetics
Classification: Uncertain significance for Cardiovascular phenotype. Last evaluated: 2023-08-29. Review status: criteria provided, single submitter. Criteria: Ambry Variant Classification Scheme 2023. Collection method: clinical testing. Allele origin: germline.
Comment: The p.R135Q variant (also known as c.404G>A), located in coding exon 3 of the FKBP14 gene, results from a G to A substitution at nucleotide position 404. The arginine at codon 135 is replaced by glutamine, an amino acid with highly similar properties. This amino acid position is conserved. In addition, this alteration is predicted to be tolerated by in silico analysis. Since supporting evidence is limited at this time, the clinical significance of this alteration remains unclear.

Labcorp Genetics (formerly Invitae), Labcorp
Classification: Uncertain significance for Ehlers-Danlos syndrome, kyphoscoliotic type, 2. Last evaluated: 2022-06-23. Review status: criteria provided, single submitter. Criteria: Invitae Variant Classification Sherloc (09022015). Collection method: clinical testing. Allele origin: germline.
Comment: In summary, the available evidence is currently insufficient to determine the role of this variant in disease. Therefore, it has been classified as a Variant of Uncertain Significance. Algorithms developed to predict the effect of missense changes on protein structure and function (SIFT, PolyPhen-2, Align-GVGD) all suggest that this variant is likely to be tolerated. This variant has not been reported in the literature in individuals affected with FKBP14-related conditions. This variant is present in population databases (rs747727076, gnomAD 0.003%). This sequence change replaces arginine, which is basic and polar, with glutamine, which is neutral and polar, at codon 135 of the FKBP14 protein (p.Arg135Gln).

NM_017946.4(FKBP14):c.404G>A (p.Arg135Gln)

Genes: FKBP14 (FKBP prolyl isomerase 14; minus strand), FKBP14-AS1 (FKBP14 antisense RNA 1; plus strand). Cytogenetic location: 7p14.3.
Variant type: single nucleotide variant.
Coding change: c.404G>A on transcript NM_017946.4 (MANE Select); coding-DNA position 404, G replaced by A.
Protein change: p.Arg135Gln; replaces arginine 135 with glutamine.
Molecular consequence: missense variant. On other transcripts: non-coding transcript variant (2).
Genome position (GRCh38, 1-based): chr7:30,019,069, C>T on the plus strand (G>A on the coding strand, the complement: FKBP14 is on the minus strand). VCF-style: chr7-30019069-C-T. GRCh37 (hg19) VCF-style: chr7-30058685-C-T.
Other names: c.404G>A (NM_017946.2); short protein forms R135Q.
Identifiers: ClinVar variation 1400405 (VCV001400405.8), dbSNP rs747727076, ClinGen allele CA4203415.